The following is an entry in ClinVar:

ClinVar aggregate classification (germline): Uncertain significance. Review status: criteria provided, multiple submitters, no conflicts (2 of 4 stars). 3 submissions from 3 submitters: Uncertain significance (3). Last evaluated 2025-04-30.

Conditions:
Epilepsy, childhood absence, susceptibility to, 6. Identifiers: Orphanet 64280, MedGen C2749872, MONDO:0012763, OMIM 611942.
Hyperaldosteronism, familial, type IV (HALD4). Also called: FH IV; ALDOSTERONISM, PRIMARY, AND HYPERTENSION. Identifiers: Orphanet 642671, MedGen C4310756, MONDO:0014875, OMIM 617027.
Inborn genetic diseases. Identifiers: MedGen C0950123, MeSH D030342.
Idiopathic generalized epilepsy. Also called: EIG; Generalised epilepsy. Identifiers: MedGen C0270850, MONDO:0005579, OMIM 600669.

Allele frequency attached by ClinVar (database versions not stated): gnomAD exomes 0.00001 and 0.00002; ExAC 0.00003; gnomAD 0.00006; TOPMed 0.00007; ESP Exome Variant Server 0.00008; 1000 Genomes Project 30x 0.00016; 1000 Genomes Project 0.00020.
gnomAD v4.1: 25 of 1,608,944 alleles (0.0016%); highest among the groups gnomAD compares: African/African-American, 0.02%; no homozygotes.

Submissions (3):

Ambry Genetics
Classification: Uncertain significance for Inborn genetic diseases. Last evaluated: 2025-04-30. Review status: criteria provided, single submitter. Criteria: Ambry Variant Classification Scheme 2023. Collection method: clinical testing. Allele origin: germline.

Labcorp Genetics (formerly Invitae), Labcorp
Classification: Uncertain significance for Idiopathic generalized epilepsy; Hyperaldosteronism, familial, type IV. Last evaluated: 2025-02-23. Review status: criteria provided, single submitter. Criteria: Invitae Variant Classification Sherloc (09022015). Collection method: clinical testing. Allele origin: germline.
Comment: This sequence change replaces arginine, which is basic and polar, with tryptophan, which is neutral and slightly polar, at codon 1579 of the CACNA1H protein (p.Arg1579Trp). This variant is present in population databases (rs373867411, gnomAD 0.03%). This variant has not been reported in the literature in individuals affected with CACNA1H-related conditions. ClinVar contains an entry for this variant (Variation ID: 1367973). Invitae Evidence Modeling of protein sequence and biophysical properties (such as structural, functional, and spatial information, amino acid conservation, physicochemical variation, residue mobility, and thermodynamic stability) indicates that this missense variant is not expected to disrupt CACNA1H protein function with a negative predictive value of 80%. In summary, the available evidence is currently insufficient to determine the role of this variant in disease. Therefore, it has been classified as a Variant of Uncertain Significance.

Fulgent Genetics
Classification: Uncertain significance for Epilepsy, childhood absence, susceptibility to, 6; Hyperaldosteronism, familial, type IV. Last evaluated: 2024-02-14. Review status: criteria provided, single submitter. Criteria: ACMG Guidelines, 2015. Collection method: clinical testing. Allele origin: germline.

NM_021098.3(CACNA1H):c.4735C>T (p.Arg1579Trp)

Gene: CACNA1H (calcium voltage-gated channel subunit alpha1 H; plus strand). Cytogenetic location: 16p13.3.
Variant type: single nucleotide variant.
Coding change: c.4735C>T on transcript NM_021098.3 (MANE Select); coding-DNA position 4735, C replaced by T.
Protein change: p.Arg1579Trp; replaces arginine 1579 with tryptophan.
Molecular consequence: missense variant.
Genome position (GRCh38, 1-based): chr16:1,212,114, C>T. VCF-style: chr16-1212114-C-T. GRCh37 (hg19) VCF-style: chr16-1262114-C-T.
Other names: c.4735C>T, p.Arg1579Trp (NM_001005407.2); c.4735C>T (NM_021098.2); short protein forms R1579W.
Identifiers: ClinVar variation 1367973 (VCV001367973.11), dbSNP rs373867411, ClinGen allele CA7801508.